The following is an entry in ClinVar:

ClinVar aggregate classification (germline): Uncertain significance (1 of 4 stars; one submission).

Submission:

Labcorp Genetics (formerly Invitae), Labcorp
Classification: Uncertain significance. Last evaluated: 2023-03-30. Review status: criteria provided, single submitter. Criteria: Invitae Variant Classification Sherloc (09022015). Collection method: clinical testing. Allele origin: germline.
Comment: In summary, the available evidence is currently insufficient to determine the role of this variant in disease. Therefore, it has been classified as a Variant of Uncertain Significance. Algorithms developed to predict the effect of sequence changes on RNA splicing suggest that this variant may create or strengthen a splice site. This variant has not been reported in the literature in individuals affected with EFTUD2-related conditions. This variant is not present in population databases (gnomAD no frequency). This sequence change falls in intron 21 of the EFTUD2 gene. It does not directly change the encoded amino acid sequence of the EFTUD2 protein.

NM_004247.4(EFTUD2):c.2133-5C>G

Gene: EFTUD2 (elongation factor Tu GTP binding domain containing 2; minus strand). Cytogenetic location: 17q21.31.
Variant type: single nucleotide variant.
Coding change: c.2133-5C>G on transcript NM_004247.4 (MANE Select); 5 bases into the intron before coding-DNA position 2133, C replaced by G.
Molecular consequence: intron variant.
Genome position (GRCh38, 1-based): chr17:44,854,687, G>C on the plus strand (C>G on the coding strand, the complement: EFTUD2 is on the minus strand). VCF-style: chr17-44854687-G-C. GRCh37 (hg19) VCF-style: chr17-42932055-G-C.
Other names: c.2028-5C>G (NM_001142605.2); c.2103-5C>G (NM_001258354.2); c.2133-5C>G (NM_001258353.2).
Identifiers: ClinVar variation 2851069 (VCV002851069.3), dbSNP rs2508730030, ClinGen allele CA2501368459.